The following is an entry in ClinVar:

NM_001278116.2(L1CAM):c.3453_3456del (p.Lys1150_Tyr1151insTer)

Gene: L1CAM (L1 cell adhesion molecule; minus strand). Cytogenetic location: Xq28.
Variant type: Deletion.
Coding change: c.3453_3456del on transcript NM_001278116.2 (MANE Select); coding-DNA positions 3453 to 3456, 4 bases deleted (CTCA; older notation c.3453_3456delCTCA).
Protein change: p.Lys1150_Tyr1151insTer.
Molecular consequence: nonsense.
Genome position (GRCh38, 1-based): chrX:153,863,884-153,863,887, TGAG deleted on the plus strand (CTCA on the coding strand, the reverse complement: L1CAM is on the minus strand); deleting any 4 consecutive bases within chrX:153,863,884-153,863,888 gives the same sequence; the c. name uses the placement nearest the transcript's 3' end. VCF-style (leftmost placement, unchanged base first): chrX-153863883-CTGAG-C. GRCh37 (hg19) VCF-style: chrX-153129338-CTGAG-C.
Other names: c.3453_3456del, p.Lys1150_Tyr1151insTer (NM_000425.5, NM_024003.3); c.3438_3441del, p.Lys1145_Tyr1146insTer (NM_001143963.2).
Identifiers: ClinVar variation 2138775 (VCV002138775.6), dbSNP rs2520960421, ClinGen allele CA2580101698.
Genomic context (GRCh38, chrX:153,863,883, plus strand): 5'-GGGCGAGGTGCTCCTCTCTGCCCTCGGCTCCACCCCCGTCACGTGGGGCTCAGAGGCTAC[CTGAG>C]TATTTGCCGCCCTTGCTGCGCTTGATGAAGCAGAGGATGAGCAGGACGAGGAGCAGGAGG-3'

ClinVar aggregate classification (germline): Pathogenic. Review status: criteria provided, multiple submitters, no conflicts (2 of 4 stars). 2 submissions from 2 submitters: Pathogenic (2). Last evaluated 2025-09-19.

Conditions:
Spastic paraplegia. Identifiers: MedGen C0037772, HP:0001258.

Submissions (2):

Dasa
Classification: Pathogenic. Last evaluated: 2025-09-19. Review status: criteria provided, single submitter. Criteria: DASA Assertion Criteria. Collection method: clinical testing. Allele origin: germline.
Comment: NM_001278116.2(L1CAM):c.3453_3456del (p.Tyr1151*) is a frameshift variant in L1CAM predicted to alter the reading frame and introduce a premature termination codon and is predicted to result in an absent or altered protein product. Loss of function is an established disease mechanism for L1CAM (PMID: 19846429; PMID: 23820807). This variant has been reported in individuals with L1CAM-related disorders (PMID: 9300653). Also, this variant is absent from population databases. Based on the currently available evidence, this variant is classified as pathogenic.

Labcorp Genetics (formerly Invitae), Labcorp
Classification: Pathogenic for Spastic paraplegia. Last evaluated: 2025-01-06. Review status: criteria provided, single submitter. Criteria: Invitae Variant Classification Sherloc (09022015). Collection method: clinical testing. Allele origin: germline.
Comment: This sequence change creates a premature translational stop signal (p.Tyr1151*) in the L1CAM gene. It is expected to result in an absent or disrupted protein product. Loss-of-function variants in L1CAM are known to be pathogenic (PMID: 19846429). This variant is not present in population databases (gnomAD no frequency). This premature translational stop signal has been observed in individual(s) with clinical features of L1 syndrome (PMID: 9300653, 10797421). ClinVar contains an entry for this variant (Variation ID: 2138775). Algorithms developed to predict the effect of sequence changes on RNA splicing suggest that this variant may disrupt the consensus splice site. For these reasons, this variant has been classified as Pathogenic.

Literature cited by the submitters: PubMed 9300653 (cited by Dasa and Labcorp Genetics (formerly Invitae), Labcorp); PubMed 19846429 (cited by Dasa and Labcorp Genetics (formerly Invitae), Labcorp); PubMed 23820807 (cited by Dasa); PubMed 10797421 (cited by Labcorp Genetics (formerly Invitae), Labcorp).